The following is an entry in ClinVar:

ClinVar aggregate classification (germline): Uncertain significance (1 of 4 stars; one submission).

Conditions:
Cernunnos-XLF deficiency (IMD124). Also called: SCID, AUTOSOMAL RECESSIVE, T CELL-NEGATIVE, B CELL-NEGATIVE, NK CELL-POSITIVE, WITH MICROCEPHALY, GROWTH RETARDATION, AND SENSITIVITY TO IONIZING RADIATION; Severe combined immunodeficiency with sensitivity to ionizing radiation due to NHEJ1 deficiency; SCID, autosomal recessive, T cell-negative, B cell-negative, NK cell-positive, and sensitivity to ionizing radiation due to NHEJ1 deficiency; IMMUNODEFICIENCY 124, SEVERE COMBINED; NHEJ1 SYNDROME. Identifiers: Orphanet 169079, MedGen C1969799, MONDO:0012650, OMIM 611291.

Submission:

Labcorp Genetics (formerly Invitae), Labcorp
Classification: Uncertain significance for Cernunnos-XLF deficiency. Last evaluated: 2023-08-24. Review status: criteria provided, single submitter. Criteria: Invitae Variant Classification Sherloc (09022015). Collection method: clinical testing. Allele origin: germline.
Comment: This variant is not present in population databases (gnomAD no frequency). This sequence change replaces serine, which is neutral and polar, with glycine, which is neutral and non-polar, at codon 299 of the NHEJ1 protein (p.Ser299Gly). This variant has not been reported in the literature in individuals affected with NHEJ1-related conditions. In summary, the available evidence is currently insufficient to determine the role of this variant in disease. Therefore, it has been classified as a Variant of Uncertain Significance. Algorithms developed to predict the effect of missense changes on protein structure and function output the following: SIFT: "Not Available"; PolyPhen-2: "Benign"; Align-GVGD: "Not Available". The glycine amino acid residue is found in multiple mammalian species, which suggests that this missense change does not adversely affect protein function. ClinVar contains an entry for this variant (Variation ID: 1419395).

NM_024782.3(NHEJ1):c.895A>G (p.Ser299Gly)

Gene: NHEJ1 (non-homologous end joining factor 1; minus strand). Cytogenetic location: 2q35.
Variant type: single nucleotide variant.
Coding change: c.895A>G on transcript NM_024782.3 (MANE Select); coding-DNA position 895, A replaced by G.
Protein change: p.Ser299Gly; replaces serine 299 with glycine.
Molecular consequence: missense variant. On other transcripts: non-coding transcript variant (1).
Genome position (GRCh38, 1-based): chr2:219,076,386, T>C on the plus strand (A>G on the coding strand, the complement: NHEJ1 is on the minus strand). VCF-style: chr2-219076386-T-C. GRCh37 (hg19) VCF-style: chr2-219941108-T-C.
Other names: c.895A>G, p.Ser299Gly (NM_001377498.1); c.910A>G, p.Ser304Gly (NM_001377499.1); short protein forms S304G, S299G.
Identifiers: ClinVar variation 1419395 (VCV001419395.6), dbSNP rs2106318888, ClinGen allele CA350641893.